The following is an entry in ClinVar:

NM_001042492.3(NF1):c.4990GTT[1] (p.Val1665del)

Gene: NF1 (neurofibromin 1; plus strand). Cytogenetic location: 17q11.2.
Variant type: Microsatellite.
Coding change: c.4990GTT[1] on transcript NM_001042492.3 (MANE Select); one copy of the 3-base unit GTT starting at c.4990; the reference has two copies in a row; one copy, 3 bases deleted.
Protein change: p.Val1665del; deletes valine 1665.
Molecular consequence: inframe deletion. On other transcripts: inframe indel (1).
Genome position (GRCh38, 1-based): chr17:31,325,977-31,325,979, GTT deleted; deleting any 3 consecutive bases within chr17:31,325,972-31,325,979 gives the same sequence; the position shown is the placement nearest the transcript's 3' end. VCF-style (leftmost placement, unchanged base first): chr17-31325971-TTTG-T. GRCh37 (hg19) VCF-style: chr17-29652989-TTTG-T.
Other names: c.4930_4932delGTT (NM_000267.3); c.4927_4929GTT[1], p.Val1644del (NM_000267.4); short protein forms V1665del, V1644del.
Identifiers: ClinVar variation 3879059 (VCV003879059.1).

ClinVar aggregate classification (germline): Uncertain significance (1 of 4 stars; one submission).

Conditions:
Cardiovascular phenotype. Identifiers: MedGen CN230736.
Hereditary cancer-predisposing syndrome. Also called: Tumor predisposition; Neoplastic Syndromes, Hereditary; Hereditary Cancer Syndrome; Hereditary neoplastic syndrome. Identifiers: Orphanet 140162, MedGen C0027672, MeSH D009386, MONDO:0015356.

Submission:

Ambry Genetics
Classification: Uncertain significance for Cardiovascular phenotype; Hereditary cancer-predisposing syndrome. Last evaluated: 2025-01-31. Review status: criteria provided, single submitter. Criteria: Ambry Variant Classification Scheme 2023. Collection method: clinical testing. Allele origin: germline.
Comment: The c.4930_4932delGTT variant (also known as p.V1644del) is located in coding exon 36 of the NF1 gene. This variant results from an in-frame GTT deletion at nucleotide positions 4930 to 4932. This results in the in-frame deletion of a valine at codon 1644. This amino acid position is highly conserved in available vertebrate species. In addition, this alteration is predicted to be deleterious by in silico analysis (Choi Y et al. PLoS ONE. 2012; 7(10):e46688). Since supporting evidence is limited at this time, the clinical significance of this alteration remains unclear.